The following is an entry in ClinVar:

NM_006158.5(NEFL):c.386A>G (p.His129Arg)

Gene: NEFL (neurofilament light chain; minus strand). Cytogenetic location: 8p21.2.
Variant type: single nucleotide variant.
Coding change: c.386A>G on transcript NM_006158.5 (MANE Select); coding-DNA position 386, A replaced by G.
Protein change: p.His129Arg; replaces histidine 129 with arginine.
Molecular consequence: missense variant.
Genome position (GRCh38, 1-based): chr8:24,956,130, T>C on the plus strand (A>G on the coding strand, the complement: NEFL is on the minus strand). VCF-style: chr8-24956130-T-C. GRCh37 (hg19) VCF-style: chr8-24813644-T-C.
Other names: short protein forms H129R.
Identifiers: ClinVar variation 4851645 (VCV004851645.1).

ClinVar aggregate classification (germline): Uncertain significance (1 of 4 stars; one submission).

Submission:

Greenwood Genetic Center Diagnostic Laboratories, Greenwood Genetic Center
Classification: Uncertain significance. Last evaluated: 2025-01-31. Review status: criteria provided, single submitter. Criteria: ACMG Guidelines, 2015. Collection method: clinical testing. Allele origin: germline.
Comment: PM2